The following is an entry in ClinVar:

NM_012431.3(SEMA3E):c.733T>G (p.Tyr245Asp)

Gene: SEMA3E (semaphorin 3E; minus strand). Cytogenetic location: 7q21.11.
Variant type: single nucleotide variant.
Coding change: c.733T>G on transcript NM_012431.3 (MANE Select); coding-DNA position 733, T replaced by G.
Protein change: p.Tyr245Asp; replaces tyrosine 245 with aspartic acid.
Molecular consequence: missense variant.
Genome position (GRCh38, 1-based): chr7:83,407,177, A>C on the plus strand (T>G on the coding strand, the complement: SEMA3E is on the minus strand). VCF-style: chr7-83407177-A-C. GRCh37 (hg19) VCF-style: chr7-83036493-A-C.
Other names: c.553T>G, p.Tyr185Asp (NM_001178129.2); short protein forms Y185D, Y245D.
Identifiers: ClinVar variation 1469429 (VCV001469429.6), dbSNP rs2115649014, ClinGen allele CA367930320.

ClinVar aggregate classification (germline): Uncertain significance (1 of 4 stars; one submission).

Conditions:
CHARGE syndrome (CHARGE). Also called: Coloboma, heart anomaly, choanal atresia, retardation, genital and ear anomalies; CHARGE association; Hall-Hittner syndrome; Hittner Hirsch Kreh syndrome; CHARGE ASSOCIATION--COLOBOMA, HEART ANOMALY, CHOANAL ATRESIA, RETARDATION, GENITAL AND EAR ANOMALIES. Identifiers: Orphanet 138, MedGen C0265354, MONDO:0008965.

Allele frequency attached by ClinVar (database versions not stated): gnomAD exomes below 0.00001.
gnomAD v4.1: 1 of 1,613,564 alleles (0.000062%); highest among the groups gnomAD compares: Admixed American, 0.0017%; no homozygotes.

Submission:

Labcorp Genetics (formerly Invitae), Labcorp
Classification: Uncertain significance for CHARGE syndrome. Last evaluated: 2022-05-04. Review status: criteria provided, single submitter. Criteria: Invitae Variant Classification Sherloc (09022015). Collection method: clinical testing. Allele origin: germline.
Comment: In summary, the available evidence is currently insufficient to determine the role of this variant in disease. Therefore, it has been classified as a Variant of Uncertain Significance. Algorithms developed to predict the effect of missense changes on protein structure and function are either unavailable or do not agree on the potential impact of this missense change (SIFT: "Deleterious"; PolyPhen-2: "Probably Damaging"; Align-GVGD: "Class C0"). This variant has not been reported in the literature in individuals affected with SEMA3E-related conditions. This variant is not present in population databases (gnomAD no frequency). This sequence change replaces tyrosine, which is neutral and polar, with aspartic acid, which is acidic and polar, at codon 245 of the SEMA3E protein (p.Tyr245Asp).